The following is an entry in ClinVar:

NM_004525.3(LRP2):c.391A>G (p.Arg131Gly)

Gene: LRP2 (LDL receptor related protein 2; minus strand). Cytogenetic location: 2q31.1.
Variant type: single nucleotide variant.
Coding change: c.391A>G on transcript NM_004525.3 (MANE Select); coding-DNA position 391, A replaced by G.
Protein change: p.Arg131Gly; replaces arginine 131 with glycine.
Molecular consequence: missense variant.
Genome position (GRCh38, 1-based): chr2:169,307,317, T>C on the plus strand (A>G on the coding strand, the complement: LRP2 is on the minus strand). VCF-style: chr2-169307317-T-C. GRCh37 (hg19) VCF-style: chr2-170163827-T-C.
Other names: short protein forms R131G.
Identifiers: ClinVar variation 714472 (VCV000714472.52), dbSNP rs34592807, ClinGen allele CA1955895.
Genomic context (GRCh38, chr2:169,307,317, plus strand): 5'-GTGCAAGGACTAAAACAGACTCACGGCAGTCATTCTCATCAGCTCCATCGGGGCAGTCTC[T>C]GACGTGGTCGCACCTGTATTCACTTGGGATACACTGACCATTGGAGCATGTTATCTGATG-3'
Protein context (NP_004516.2, residues 121-141): IPSEYRCDHV[Arg131Gly]DCPDGADEND

ClinVar aggregate classification (germline): Benign/Likely benign. Review status: criteria provided, multiple submitters, no conflicts (2 of 4 stars). 8 submissions from 8 submitters: Benign (2); Likely benign (2). 4 of the submissions do not count toward it. Last evaluated 2026-01-24.

Conditions:
LRP2-related disorder. Also called: LRP2-related condition.
Donnai-Barrow syndrome. Also called: DBS/FOAR SYNDROME; FACIOOCULOACOUSTICORENAL SYNDROME. Identifiers: Orphanet 2143, MedGen C1857277, MONDO:0009104, OMIM 222448.

Allele frequency attached by ClinVar (database versions not stated): 1000 Genomes Project 30x 0.00031; 1000 Genomes Project 0.00040; TOPMed 0.00049; ESP Exome Variant Server 0.00062; gnomAD 0.00109 and 0.00119; gnomAD exomes 0.00119 and 0.00151; ExAC 0.00138.
gnomAD v4.1: 1,925 of 1,614,032 alleles (0.12%); highest among the groups gnomAD compares: South Asian, 0.49%; 15 homozygotes.

Submissions (8):

Labcorp Genetics (formerly Invitae), Labcorp
Classification: Benign. Last evaluated: 2026-01-24. Review status: criteria provided, single submitter. Criteria: Invitae Variant Classification Sherloc (09022015). Collection method: clinical testing. Allele origin: germline.

CeGaT Center for Human Genetics Tuebingen
Classification: Likely benign. Last evaluated: 2024-01-01. Review status: criteria provided, single submitter. Criteria: CeGaT Center For Human Genetics Tuebingen Variant Classification Criteria Version 2. Collection method: clinical testing. Allele origin: germline. Affected: yes. Observed: 10 variant alleles.
Comment: LRP2: BS2

Genome-Nilou Lab
Classification: Benign for Donnai-Barrow syndrome. Last evaluated: 2021-07-15. Review status: criteria provided, single submitter. Criteria: ACMG Guidelines, 2015. Collection method: clinical testing. Allele origin: germline. Affected: no.

Illumina Laboratory Services, Illumina
Classification: Likely benign for Donnai-Barrow syndrome. Last evaluated: 2018-03-06. Review status: criteria provided, single submitter. Criteria: ICSL Variant Classification Criteria 13 December 2019. Collection method: clinical testing. Allele origin: germline.
Comment: This variant was observed in the ICSL laboratory as part of a predisposition screen in an ostensibly healthy population. It had not been previously curated by ICSL or reported in the Human Gene Mutation Database (HGMD: prior to June 1st, 2018), and was therefore a candidate for classification through an automated scoring system. Utilizing variant allele frequency, disease prevalence and penetrance estimates, and inheritance mode, an automated score was calculated to assess if this variant is too frequent to cause the disease. Based on the score and internal cut-off values, a variant classified as likely benign is not then subjected to further curation. The score for this variant resulted in a classification of likely benign for this disease.

PreventionGenetics, part of Exact Sciences
Classification: Likely benign for LRP2-related condition. Last evaluated: 2019-08-07. Review status: no assertion criteria provided. Collection method: clinical testing. Allele origin: germline. Not counted in ClinVar's aggregate classification.
Comment: This variant is classified as likely benign based on ACMG/AMP sequence variant interpretation guidelines (Richards et al. 2015 PMID: 25741868, with internal and published modifications).

Clinical Genetics DNA and cytogenetics Diagnostics Lab, Erasmus MC, Erasmus Medical Center
Classification: Likely benign. Review status: no assertion criteria provided. Collection method: clinical testing. Allele origin: germline. Affected: yes. Study: VKGL Data-share Consensus. Not counted in ClinVar's aggregate classification.

Department of Pathology and Laboratory Medicine, Sinai Health System
Classification: Likely benign. Review status: no assertion criteria provided. Collection method: clinical testing. Allele origin: unknown. Affected: yes. Study: The Canadian Open Genetics Repository (COGR). Not counted in ClinVar's aggregate classification.
Comment: The LRP2 p.Arg131Gly variant was not identified in the literature nor was it identified in ClinVar or Cosmic. The variant was identified in dbSNP (ID: rs34592807) and LOVD 3.0 (classified as likely benign). The variant was also identified in control databases in 426 of 282652 chromosomes (4 homozygous) at a frequency of 0.001507 increasing the likelihood this could be a low frequency benign variant (Genome Aggregation Database Feb 27, 2017). The variant was observed in the following populations: European (Finnish) in 138 of 25122 chromosomes (freq: 0.005493), South Asian in 135 of 30616 chromosomes (freq: 0.004409), Other in 8 of 7214 chromosomes (freq: 0.001109), European (non-Finnish) in 130 of 128982 chromosomes (freq: 0.001008), Ashkenazi Jewish in 6 of 10362 chromosomes (freq: 0.000579), Latino in 6 of 35436 chromosomes (freq: 0.000169), African in 2 of 24966 chromosomes (freq: 0.00008), and East Asian in 1 of 19954 chromosomes (freq: 0.00005). The p.Arg131 residue is not conserved in mammals and four out of five computational analyses (PolyPhen-2, SIFT, AlignGVGD, BLOSUM, MutationTaster) do not suggest a high likelihood of impact to the protein; however, this information is not predictive enough to rule out pathogenicity. The variant occurs outside of the splicing consensus sequence and three of four in silico or computational prediction software programs (SpliceSiteFinder, MaxEntScan, NNSPLICE, GeneSplicer) do not predict a greater than 10% difference in splicing. In summary, based on the above information the clinical significance of this variant cannot be determined with certainty at this time although we would lean towards a more benign role for this variant. This variant is classified as likely benign.

Genome Diagnostics Laboratory, University Medical Center Utrecht
Classification: Likely benign. Review status: no assertion criteria provided. Collection method: clinical testing. Allele origin: germline. Affected: yes. Study: VKGL Data-share Consensus. Not counted in ClinVar's aggregate classification.